The following is an entry in ClinVar:

NM_003470.3(USP7):c.3269G>A (p.Arg1090His)

Gene: USP7 (ubiquitin specific peptidase 7; minus strand). Cytogenetic location: 16p13.2.
Variant type: single nucleotide variant.
Coding change: c.3269G>A on transcript NM_003470.3 (MANE Select); coding-DNA position 3269, G replaced by A.
Protein change: p.Arg1090His; replaces arginine 1090 with histidine.
Molecular consequence: missense variant. On other transcripts: non-coding transcript variant (1).
Genome position (GRCh38, 1-based): chr16:8,894,038, C>T on the plus strand (G>A on the coding strand, the complement: USP7 is on the minus strand). VCF-style: chr16-8894038-C-T. GRCh37 (hg19) VCF-style: chr16-8987895-C-T.
Other names: c.3221G>A, p.Arg1074His (NM_001286457.2); c.2972G>A, p.Arg991His (NM_001286458.2); c.3095G>A, p.Arg1032His (NM_001321858.2); short protein forms R1074H, R1090H, R1032H, R991H.
Identifiers: ClinVar variation 3678975 (VCV003678975.2).

ClinVar aggregate classification (germline): Uncertain significance (1 of 4 stars; one submission).

gnomAD v4.1: 1 of 1,614,188 alleles (0.000062%); highest among the groups gnomAD compares: South Asian, 0.0011%; no homozygotes.

Submission:

Labcorp Genetics (formerly Invitae), Labcorp
Classification: Uncertain significance. Last evaluated: 2024-08-14. Review status: criteria provided, single submitter. Criteria: Invitae Variant Classification Sherloc (09022015). Collection method: clinical testing. Allele origin: germline.
Comment: This sequence change replaces arginine, which is basic and polar, with histidine, which is basic and polar, at codon 1090 of the USP7 protein (p.Arg1090His). This variant is not present in population databases (gnomAD no frequency). This variant has not been reported in the literature in individuals affected with USP7-related conditions. An algorithm developed to predict the effect of missense changes on protein structure and function (PolyPhen-2) suggests that this variant is likely to be disruptive. In summary, the available evidence is currently insufficient to determine the role of this variant in disease. Therefore, it has been classified as a Variant of Uncertain Significance.